The following is an entry in ClinVar:

NM_002180.3(IGHMBP2):c.138T>A (p.Cys46Ter)

Gene: IGHMBP2 (immunoglobulin mu DNA binding protein 2; plus strand). Cytogenetic location: 11q13.3.
Variant type: single nucleotide variant.
Coding change: c.138T>A on transcript NM_002180.3 (MANE Select); coding-DNA position 138, T replaced by A.
Protein change: p.Cys46Ter; replaces cysteine 46 with a stop codon.
Molecular consequence: nonsense.
Genome position (GRCh38, 1-based): chr11:68,906,120, T>A. VCF-style: chr11-68906120-T-A. GRCh37 (hg19) VCF-style: chr11-68673588-T-A.
Other names: C46*; NM_002180.3(IGHMBP2):c.138T>A; p.Cys46Ter.
Identifiers: ClinVar variation 162194 (VCV000162194.48), dbSNP rs372000714, ClinGen allele CA346109.
Genomic context (GRCh38, chr11:68,906,120, plus strand): 5'-GTCTTCCAGGTCCTGGCAGGAGAACATCTCTCTGAAAGAGCTCCAGAGCCGAGGCGTGTG[T>A]TTGCTGAAGCTGCAGGTATCCAGCCAGCGCACTGGGCTGTACGGACGGCTGCTGGTCACC-3'

ClinVar aggregate classification (germline): Pathogenic/Likely pathogenic. Review status: criteria provided, multiple submitters, no conflicts (2 of 4 stars). 15 submissions from 15 submitters: Pathogenic (10); Likely pathogenic (1). 4 of the submissions do not count toward it. Last evaluated 2025-11-20.

Conditions:
IGHMBP2-related disorder. Also called: IGHMBP2-related condition; IGHMBP2-related disorders.
Distal spinal muscular atrophy. Also called: Distal hereditary motor neuropathy; Distal hereditary motor neuronopathy. Identifiers: Orphanet 53739, MedGen C0393541, MONDO:0018894.
Inborn genetic diseases. Identifiers: MedGen C0950123, MeSH D030342.
Autosomal recessive distal spinal muscular atrophy 1. Also called: NEURONOPATHY, SEVERE INFANTILE AXONAL, WITH RESPIRATORY FAILURE; SEVERE INFANTILE AXONAL NEUROPATHY WITH RESPIRATORY FAILURE; SPINAL MUSCULAR ATROPHY, DIAPHRAGMATIC; Spinal muscular atrophy with respiratory distress 1; NEURONOPATHY, DISTAL HEREDITARY MOTOR, HARDING TYPE VI; NEUROPATHY, DISTAL HEREDITARY MOTOR, AUTOSOMAL RECESSIVE 1. Identifiers: Orphanet 98920, MedGen C1858517, MONDO:0011436, OMIM 604320.
Charcot-Marie-Tooth disease axonal type 2S. Also called: CHARCOT-MARIE-TOOTH DISEASE, AXONAL, AUTOSOMAL RECESSIVE, TYPE 2S; CHARCOT-MARIE-TOOTH NEUROPATHY, TYPE 2S. Identifiers: Orphanet 443073, MedGen C4015349, MONDO:0014511, OMIM 616155.
Peripheral neuropathy. Also called: Neuropathy. Identifiers: MedGen C0031117, MONDO:0005244, HP:0009830.

Allele frequency attached by ClinVar (database versions not stated): TOPMed below 0.00001; ExAC 0.00001; gnomAD 0.00001; gnomAD exomes 0.00001 and 0.00002; ESP Exome Variant Server 0.00008.
gnomAD v4.1: 15 of 1,614,080 alleles (0.00093%); highest among the groups gnomAD compares: Non-Finnish European, 0.0013%; no homozygotes.

Submissions (15):

Dasa
Classification: Pathogenic. Last evaluated: 2025-11-20. Review status: criteria provided, single submitter. Criteria: DASA Assertion Criteria. Collection method: clinical testing. Allele origin: germline.
Comment: NM_002180.3(IGHMBP2):c.138T>A (p.Cys46*) introduces a premature termination codon predicted to result in loss of normal protein function. Loss-of-function is an established mechanism of disease for this gene. This variant has been observed in affected individuals with related phenotype in a genotype context consistent with recessive disease (PMID: 25439726). This variant has been reported in individuals with related phenotype (PMID: 25439726). The variant is present at low frequency in population datasets. Based on the available data, this variant is classified as pathogenic.

PreventionGenetics, part of Exact Sciences
Classification: Pathogenic for IGHMBP2-related condition. Last evaluated: 2025-11-12. Review status: criteria provided, single submitter. Criteria: ACMG Guidelines, 2015. Collection method: clinical testing. Allele origin: germline.
Comment: The IGHMBP2 c.138T>A variant is predicted to result in premature protein termination (p.Cys46*). This variant has been reported with a second IGHMBP2 variant in several individuals with spinal muscular atrophy with respiratory distress 1 (Grohmann et al. 2003. PubMed ID: 14681881; Cottenie et al. 2014. PubMed ID: 25439726; Taiana et al. 2022. PubMed ID: 35086940). This variant is reported in 0.0035% of alleles in individuals of European (non-Finnish) descent in gnomAD. Nonsense variants in IGHMBP2 are expected to be pathogenic. This variant is interpreted as pathogenic.

Victorian Clinical Genetics Services, Murdoch Childrens Research Institute
Classification: Pathogenic for Autosomal recessive distal spinal muscular atrophy 1. Last evaluated: 2025-05-08. Review status: criteria provided, single submitter. Criteria: ACMG Guidelines, 2015. Collection method: clinical testing. Allele origin: germline.
Comment: This variant is classified as Pathogenic. Evidence in support of pathogenic classification: Variant is predicted to cause nonsense-mediated decay (NMD) and loss of protein (premature termination codon is located at least 54 nucleotides upstream of the final exon-exon junction); Variant is present in gnomAD <0.01 for a recessive condition (v4: 15 heterozygote(s), 0 homozygote(s)); This variant has strong previous evidence of pathogenicity in unrelated individuals. This variant has been classified as pathogenic by multiple clinical laboratories (ClinVar); Other NMD-predicted variant(s) comparable to the one identified in this case have very strong previous evidence for pathogenicity (DECIPHER). Additional information: This variant is heterozygous; This gene is associated with autosomal recessive disease; Loss of function is a known mechanism of disease in this gene and is associated with Charcot-Marie-Tooth disease, axonal, type 2S (MIM#616155) and neuronopathy, distal hereditary motor, type VI (MIM#604320).

Labcorp Genetics (formerly Invitae), Labcorp
Classification: Pathogenic for Autosomal recessive distal spinal muscular atrophy 1; Charcot-Marie-Tooth disease axonal type 2S. Last evaluated: 2025-05-05. Review status: criteria provided, single submitter. Criteria: Invitae Variant Classification Sherloc (09022015). Collection method: clinical testing. Allele origin: germline.
Comment: This sequence change creates a premature translational stop signal (p.Cys46*) in the IGHMBP2 gene. It is expected to result in an absent or disrupted protein product. Loss-of-function variants in IGHMBP2 are known to be pathogenic (PMID: 14681881, 25439726, 25568292). This variant is present in population databases (rs372000714, gnomAD 0.004%). This premature translational stop signal has been observed in individuals with spinal muscular atrophy with respiratory distress 1 and Charcot-Marie-Tooth disease type 2 (PMID: 14681881, 25439726, 25568292). ClinVar contains an entry for this variant (Variation ID: 162194). For these reasons, this variant has been classified as Pathogenic.

Blueprint Genetics
Classification: Likely pathogenic for IGHMBP2-related disorders. Last evaluated: 2024-09-06. Review status: criteria provided, single submitter. Criteria: ACMG Guidelines, 2015. Collection method: clinical testing. Allele origin: germline. Affected: yes. Observed: 3 variant alleles.

Broad Center for Mendelian Genomics, Broad Institute of MIT and Harvard
Classification: Pathogenic for Autosomal recessive distal spinal muscular atrophy 1. Last evaluated: 2023-01-25. Review status: criteria provided, single submitter. Criteria: ACMG Guidelines, 2015. Collection method: curation. Allele origin: germline. Inheritance: Autosomal recessive inheritance.
Comment: The p.Cys46Ter variant in IGHMBP2 has been previously reported in 5 unrelated individuals with autosomal recessive IGHMBP2-related neurological disease (PMID: 25568292, PMID: 25439726, PMID: 14681881) and segregated with disease in 7 affected relatives from 4 families (PMID: 25439726, PMID: 25568292), but has been identified in 0.0035% (4/113764) of European (non-Finnish) chromosomes by the Genome Aggregation Database (gnomAD; dbSNP ID: rs372000714). Although this variant has been seen in the general population in a heterozygous state, its frequency is low enough to be consistent with a recessive carrier frequency. Of these 5 affected individuals (PMID: 25568292, PMID: 25439726, PMID: 14681881), 4 were compound heterozygotes who carried pathogenic or likely pathogenic variants in trans (PMID: 25568292, ClinVar Variation ID: 162195; PMID: 25439726, ClinVar Variation ID: 162195; PMID: 14681881), which increases the likelihood that the p.Cys46Ter variant is pathogenic. This variant has also been reported in ClinVar (Variation ID: 162194) and has been interpreted as pathogenic by multiple submitters. This nonsense variant leads to a premature termination codon at position 46, which is predicted to lead to a truncated or absent protein. Loss of function of the IGHMBP2 gene is strongly associated to autosomal recessive distal spinal muscular atrophy 1. In summary, this variant meets criteria to be classified as pathogenic for autosomal recessive distal spinal muscular atrophy 1. ACMG/AMP Criteria applied: PVS1_Strong, PM2_Supporting, PM3_VeryStrong, PP1_Moderate (Richards 2015).

GeneDx
Classification: Pathogenic. Last evaluated: 2023-01-11. Review status: criteria provided, single submitter. Criteria: GeneDx Variant Classification Process June 2021. Collection method: clinical testing. Allele origin: germline. Affected: yes.
Comment: Nonsense variant predicted to result in protein truncation or nonsense mediated decay in a gene for which loss-of-function is a known mechanism of disease; Not observed at a significant frequency in large population cohorts (gnomAD); This variant is associated with the following publications: (PMID: 14681881, 33210134, 34426522, 25439726, 25568292)

Kariminejad - Najmabadi Pathology & Genetics Center
Classification: Pathogenic for Peripheral neuropathy. Last evaluated: 2021-07-10. Review status: criteria provided, single submitter. Criteria: ACMG Guidelines, 2015. Collection method: clinical testing. Allele origin: germline. Affected: yes.

Ambry Genetics
Classification: Pathogenic for Inborn genetic diseases. Last evaluated: 2021-05-11. Review status: criteria provided, single submitter. Criteria: Ambry Variant Classification Scheme 2023. Collection method: clinical testing. Allele origin: germline.
Comment: The p.C46* pathogenic mutation (also known as c.138T>A), located in coding exon 2 of the IGHMBP2 gene, results from a T to A substitution at nucleotide position 138. This changes the amino acid from a cysteine to a stop codon within coding exon 2. This variant was detected as compound heterozygous with another mutation in IGHMBP2 in multiple individuals with Charcot-Marie-Tooth disease type 2 (Cottenie E et al. Am J Hum Genet, 2014 Nov;95:590-601; Schottmann G et al. Neurology, 2015 Feb;84:523-31). This variant was also detected in an individual with distal spinal muscular atrophy 1 with respiratory distress (SMARD1) (Grohmann K et al. Ann Neurol, 2003 Dec;54:719-24). This variant is considered to be rare based on population cohorts in the Genome Aggregation Database (gnomAD). This alteration is expected to result in loss of function by premature protein truncation or nonsense-mediated mRNA decay. As such, this alteration is interpreted as a disease-causing mutation.

Centre for Mendelian Genomics, University Medical Centre Ljubljana
Classification: Pathogenic for Autosomal recessive distal spinal muscular atrophy 1. Last evaluated: 2020-03-31. Review status: criteria provided, single submitter. Criteria: ACMG Guidelines, 2015. Collection method: clinical testing. Allele origin: unknown. Affected: yes.
Comment: This variant was classified as: Pathogenic. The following ACMG criteria were applied in classifying this variant: PVS1,PS4,PM2,PM3. This variant was detected in homozygous state.

Institute of Human Genetics Munich, TUM University Hospital
Classification: Pathogenic for Autosomal recessive distal spinal muscular atrophy 1. Last evaluated: 2018-08-14. Review status: criteria provided, single submitter. Criteria: Classification criteria August 2017. Collection method: clinical testing. Allele origin: inherited. Inheritance: Autosomal recessive inheritance. Affected: yes. Observed: 1 homozygote.

OMIM
Classification: Pathogenic for CHARCOT-MARIE-TOOTH DISEASE, AXONAL, TYPE 2S. Last evaluated: 2015-02-03. Review status: no assertion criteria provided. Collection method: literature only. Allele origin: germline. Not counted in ClinVar's aggregate classification.

Clinical Genetics, Academic Medical Center
Classification: Pathogenic. Review status: no assertion criteria provided. Collection method: clinical testing. Allele origin: germline. Affected: yes. Study: VKGL Data-share Consensus. Not counted in ClinVar's aggregate classification.

Diagnostic Laboratory, Department of Genetics, University Medical Center Groningen
Classification: Pathogenic. Review status: no assertion criteria provided. Collection method: clinical testing. Allele origin: germline. Affected: yes. Study: VKGL Data-share Consensus. Not counted in ClinVar's aggregate classification.

Inherited Neuropathy Consortium
Classification: Uncertain significance for Distal spinal muscular atrophy. Review status: no assertion criteria provided. Collection method: literature only. Allele origin: germline. Affected: yes. Not counted in ClinVar's aggregate classification.

Literature cited by the submitters: PubMed 25439726 (cited by 4 submitters); PubMed 14681881 (cited by 3 submitters); PubMed 25568292 (cited by 3 submitters).